The following is an entry in ClinVar:

ClinVar aggregate classification (germline): Uncertain significance. Review status: criteria provided, multiple submitters, no conflicts (2 of 4 stars). 3 submissions from 3 submitters: Uncertain significance (3). Last evaluated 2024-12-24.

Conditions:
Hypertrophic cardiomyopathy 1 (CMH1). Also called: Familial hypertrophic cardiomyopathy 1; MYH7-Related Familial Hypertrophic Cardiomyopathy. Identifiers: MedGen C3495498, MONDO:0008647, OMIM 192600.

Allele frequency attached by ClinVar (database versions not stated): gnomAD 0.00001; TOPMed 0.00002; gnomAD exomes 0.00004; ExAC 0.00005.
gnomAD v4.1: 89 of 1,613,956 alleles (0.0055%); highest among the groups gnomAD compares: Middle Eastern, 0.033%; no homozygotes.

Submissions (3):

Labcorp Genetics (formerly Invitae), Labcorp
Classification: Uncertain significance for Hypertrophic cardiomyopathy 1. Last evaluated: 2024-12-24. Review status: criteria provided, single submitter. Criteria: Invitae Variant Classification Sherloc (09022015). Collection method: clinical testing. Allele origin: germline.
Comment: This sequence change replaces arginine, which is basic and polar, with histidine, which is basic and polar, at codon 340 of the MYLK2 protein (p.Arg340His). This variant is present in population databases (rs770590365, gnomAD 0.006%). This variant has not been reported in the literature in individuals affected with MYLK2-related conditions. ClinVar contains an entry for this variant (Variation ID: 953445). Invitae Evidence Modeling of protein sequence and biophysical properties (such as structural, functional, and spatial information, amino acid conservation, physicochemical variation, residue mobility, and thermodynamic stability) indicates that this missense variant is not expected to disrupt MYLK2 protein function with a negative predictive value of 80%. In summary, the available evidence is currently insufficient to determine the role of this variant in disease. Therefore, it has been classified as a Variant of Uncertain Significance.

Ambry Genetics
Classification: Uncertain significance. Last evaluated: 2024-04-27. Review status: criteria provided, single submitter. Criteria: Ambry Variant Classification Scheme 2023. Collection method: clinical testing. Allele origin: germline.
Comment: The p.R340H variant (also known as c.1019G>A), located in coding exon 6 of the MYLK2 gene, results from a G to A substitution at nucleotide position 1019. The arginine at codon 340 is replaced by histidine, an amino acid with highly similar properties. This amino acid position is conserved. In addition, this alteration is predicted to be tolerated by in silico analysis. Since supporting evidence is limited at this time, the clinical significance of this alteration remains unclear.

Fulgent Genetics
Classification: Uncertain significance for Hypertrophic cardiomyopathy 1. Last evaluated: 2021-11-12. Review status: criteria provided, single submitter. Criteria: ACMG Guidelines, 2015. Collection method: clinical testing. Allele origin: unknown.

NM_033118.4(MYLK2):c.1019G>A (p.Arg340His)

Gene: MYLK2 (myosin light chain kinase 2; plus strand). Cytogenetic location: 20q11.21.
Variant type: single nucleotide variant.
Coding change: c.1019G>A on transcript NM_033118.4 (MANE Select); coding-DNA position 1019, G replaced by A.
Protein change: p.Arg340His; replaces arginine 340 with histidine.
Molecular consequence: missense variant.
Genome position (GRCh38, 1-based): chr20:31,826,651, G>A. VCF-style: chr20-31826651-G-A. GRCh37 (hg19) VCF-style: chr20-30414454-G-A.
Other names: short protein forms R340H.
Identifiers: ClinVar variation 953445 (VCV000953445.13), dbSNP rs770590365, ClinGen allele CA9803082.